The following is an entry in ClinVar:

ClinVar aggregate classification (germline): Pathogenic/Likely pathogenic. Review status: criteria provided, multiple submitters, no conflicts (2 of 4 stars). 4 submissions from 4 submitters: Pathogenic (3); Likely pathogenic (1). Last evaluated 2021-05-12.

Conditions:
Tubulinopathy. Also called: Tubulinopathies. Identifiers: MedGen CN850169, MONDO:0100153.
Lissencephaly due to TUBA1A mutation (CDCBM16). Also called: CORTICAL DYSPLASIA, COMPLEX, WITH OTHER BRAIN MALFORMATIONS 16; Lissencephaly 3. Identifiers: Orphanet 171680, MedGen C4305153, MONDO:0012703, OMIM 611603.

Submissions (4):

Genetics Institute, Tel Aviv Sourasky Medical Center
Classification: Pathogenic for Lissencephaly due to TUBA1A mutation. Last evaluated: 2021-05-12. Review status: criteria provided, single submitter. Criteria: ACMG Guidelines, 2015. Collection method: clinical testing. Allele origin: de novo. Inheritance: Autosomal dominant inheritance.

Institute of Human Genetics, FAU Erlangen, Friedrich-Alexander-Universität Erlangen-Nürnberg
Classification: Pathogenic for Tubulinopathies. Last evaluated: 2018-07-01. Review status: criteria provided, single submitter. Criteria: ACMG Guidelines, 2015. Collection method: literature only. Allele origin: de novo. Affected: yes. Observed: 1 variant allele.
Comment: The c.1105G>A, p.(Ala369Thr) variant has been reported as a variant of de novo origin. This variant and associated phenotype was previously reported by Bahi-Buisson et al. Brain, 2014 PMID: 24860126. Pachygyria (HP:0001302); Cerebellar vermis hypoplasia (HP:0001320); Microcephaly (HP:0000252)

CeGaT Center for Human Genetics Tuebingen
Classification: Pathogenic. Last evaluated: 2017-08-01. Review status: criteria provided, single submitter. Criteria: CeGaT Center For Human Genetics Tuebingen Variant Classification Criteria Version 2. Collection method: clinical testing. Allele origin: germline. Affected: yes. Observed: 1 variant allele.

Genetic Services Laboratory, University of Chicago
Classification: Likely pathogenic for Lissencephaly 3. Last evaluated: 2015-03-11. Review status: criteria provided, single submitter. Criteria: ACMG Guidelines, 2015. Collection method: clinical testing. Allele origin: germline. Affected: yes.

Literature cited by the submitters: PubMed 30744660 (cited by Institute of Human Genetics, FAU Erlangen, Friedrich-Alexander-Universität Erlangen-Nürnberg); DOI 10.1101/427948 (cited by Institute of Human Genetics, FAU Erlangen, Friedrich-Alexander-Universität Erlangen-Nürnberg).

NM_006009.4(TUBA1A):c.1105G>A (p.Ala369Thr)

Gene: TUBA1A (tubulin alpha 1a; minus strand). Cytogenetic location: 12q13.12.
Variant type: single nucleotide variant.
Coding change: c.1105G>A on transcript NM_006009.4 (MANE Select); coding-DNA position 1105, G replaced by A.
Protein change: p.Ala369Thr; replaces alanine 369 with threonine.
Molecular consequence: missense variant.
Genome position (GRCh38, 1-based): chr12:49,185,261, C>T on the plus strand (G>A on the coding strand, the complement: TUBA1A is on the minus strand). VCF-style: chr12-49185261-C-T. GRCh37 (hg19) VCF-style: chr12-49579044-C-T.
Other names: c.1105G>A, p.Ala369Thr (NM_001270399.2); c.1000G>A, p.Ala334Thr (NM_001270400.2); short protein forms A369T, A334T.
Identifiers: ClinVar variation 212488 (VCV000212488.50), dbSNP rs797046071, ClinGen allele CA213340.